The following is an entry in ClinVar:

ClinVar aggregate classification (germline): Uncertain significance. Review status: criteria provided, multiple submitters, no conflicts (2 of 4 stars). 2 submissions from 2 submitters: Uncertain significance (2). Last evaluated 2022-07-21.

Allele frequency attached by ClinVar (database versions not stated): ESP Exome Variant Server 0.00008.
gnomAD v4.1: 164 of 1,612,192 alleles (0.01%); highest among the groups gnomAD compares: Non-Finnish European, 0.013%; no homozygotes.

Submissions (2):

Labcorp Genetics (formerly Invitae), Labcorp
Classification: Uncertain significance. Last evaluated: 2022-07-21. Review status: criteria provided, single submitter. Criteria: Invitae Variant Classification Sherloc (09022015). Collection method: clinical testing. Allele origin: germline.
Comment: This sequence change replaces valine, which is neutral and non-polar, with methionine, which is neutral and non-polar, at codon 297 of the PLVAP protein (p.Val297Met). This variant is present in population databases (rs200491210, gnomAD 0.004%). This variant has not been reported in the literature in individuals affected with PLVAP-related conditions. Algorithms developed to predict the effect of missense changes on protein structure and function are either unavailable or do not agree on the potential impact of this missense change (SIFT: "Deleterious"; PolyPhen-2: "Probably Damaging"; Align-GVGD: "Class C0"). In summary, the available evidence is currently insufficient to determine the role of this variant in disease. Therefore, it has been classified as a Variant of Uncertain Significance.

Breakthrough Genomics
Classification: Uncertain significance. Review status: criteria provided, single submitter. Criteria: ACMG Guidelines, 2015. Collection method: not provided. Allele origin: germline. Inheritance: Autosomal dominant inheritance. Affected: yes.

NM_031310.3(PLVAP):c.889G>A (p.Val297Met)

Gene: PLVAP (plasmalemma vesicle associated protein; minus strand). Cytogenetic location: 19p13.11.
Variant type: single nucleotide variant.
Coding change: c.889G>A on transcript NM_031310.3 (MANE Select); coding-DNA position 889, G replaced by A.
Protein change: p.Val297Met; replaces valine 297 with methionine.
Molecular consequence: missense variant.
Genome position (GRCh38, 1-based): chr19:17,365,576, C>T on the plus strand (G>A on the coding strand, the complement: PLVAP is on the minus strand). VCF-style: chr19-17365576-C-T. GRCh37 (hg19) VCF-style: chr19-17476385-C-T.
Other names: short protein forms V297M.
Identifiers: ClinVar variation 2085668 (VCV002085668.2), dbSNP rs200491210, ClinGen allele CA9293934.